The following is an entry in ClinVar:

NM_002907.4(RECQL):c.493A>C (p.Ser165Arg)

Gene: RECQL (RecQ like helicase; minus strand). Cytogenetic location: 12p12.1.
Variant type: single nucleotide variant.
Coding change: c.493A>C on transcript NM_002907.4 (MANE Select); coding-DNA position 493, A replaced by C.
Protein change: p.Ser165Arg; replaces serine 165 with arginine.
Molecular consequence: missense variant.
Genome position (GRCh38, 1-based): chr12:21,486,487, T>G on the plus strand (A>C on the coding strand, the complement: RECQL is on the minus strand). VCF-style: chr12-21486487-T-G. GRCh37 (hg19) VCF-style: chr12-21639421-T-G.
Other names: c.493A>C, p.Ser165Arg (NM_032941.3); short protein forms S165R.
Identifiers: ClinVar variation 2585997 (VCV002585997.2), dbSNP rs73082680, ClinGen allele CA384129855.

ClinVar aggregate classification (germline): Uncertain significance (1 of 4 stars; one submission).

Submission:

Ambry Genetics
Classification: Uncertain significance. Last evaluated: 2023-07-22. Review status: criteria provided, single submitter. Criteria: Ambry Variant Classification Scheme 2023. Collection method: clinical testing. Allele origin: germline.
Comment: The p.S165R variant (also known as c.493A>C), located in coding exon 4 of the RECQL gene, results from an A to C substitution at nucleotide position 493. The serine at codon 165 is replaced by arginine, an amino acid with dissimilar properties. This amino acid position is highly conserved in available vertebrate species. In addition, this alteration is predicted to be deleterious by in silico analysis. The evidence for this gene-disease relationship is limited; therefore, the clinical significance of this alteration is unclear.